The following is an entry in ClinVar:

ClinVar aggregate classification (germline): Uncertain significance. Review status: criteria provided, multiple submitters, no conflicts (2 of 4 stars). 4 submissions from 4 submitters: Uncertain significance (4). Last evaluated 2026-01-21.

Conditions:
Inborn genetic diseases. Identifiers: MedGen C0950123, MeSH D030342.
Renal hypomagnesemia 5 with ocular involvement. Also called: FHHNC WITH SEVERE OCULAR INVOLVEMENT; HYPOMAGNESEMIA, FAMILIAL, WITH HYPERCALCIURIA, NEPHROCALCINOSIS, AND SEVERE OCULAR INVOLVEMENT; MACULAR COLOBOMA, BILATERAL, WITH HYPERCALCIURIA; HYPOMAGNESEMIA 5, RENAL, WITH OR WITHOUT OCULAR INVOLVEMENT. Identifiers: Orphanet 2196, MedGen C4721891, MONDO:0009548, OMIM 248190.

Allele frequency attached by ClinVar (database versions not stated): gnomAD 0.00001; gnomAD exomes 0.00001 and 0.00002; TOPMed 0.00002.
gnomAD v4.1: 20 of 1,613,904 alleles (0.0012%); highest among the groups gnomAD compares: Middle Eastern, 0.082%; no homozygotes.

Submissions (4):

Labcorp Genetics (formerly Invitae), Labcorp
Classification: Uncertain significance. Last evaluated: 2026-01-21. Review status: criteria provided, single submitter. Criteria: Invitae Variant Classification Sherloc (09022015). Collection method: clinical testing. Allele origin: germline.
Comment: This sequence change replaces proline, which is neutral and non-polar, with leucine, which is neutral and non-polar, at codon 112 of the CLDN19 protein (p.Pro112Leu). This variant is present in population databases (no rsID available, gnomAD 0.006%). This variant has not been reported in the literature in individuals affected with CLDN19-related conditions. ClinVar contains an entry for this variant (Variation ID: 297343). An algorithm developed to predict the effect of missense changes on protein structure and function (PolyPhen-2) suggests that this variant is likely to be disruptive. In summary, the available evidence is currently insufficient to determine the role of this variant in disease. Therefore, it has been classified as a Variant of Uncertain Significance.

Ambry Genetics
Classification: Uncertain significance for Inborn genetic diseases. Last evaluated: 2025-03-30. Review status: criteria provided, single submitter. Criteria: Ambry Variant Classification Scheme 2023. Collection method: clinical testing. Allele origin: germline.

Fulgent Genetics
Classification: Uncertain significance for Renal hypomagnesemia 5 with ocular involvement. Last evaluated: 2022-05-03. Review status: criteria provided, single submitter. Criteria: ACMG Guidelines, 2015. Collection method: clinical testing. Allele origin: unknown.

Illumina Laboratory Services, Illumina
Classification: Uncertain significance for Renal hypomagnesemia 5 with ocular involvement. Last evaluated: 2018-01-13. Review status: criteria provided, single submitter. Criteria: ICSL Variant Classification Criteria 13 December 2019. Collection method: clinical testing. Allele origin: germline.

NM_148960.3(CLDN19):c.335C>T (p.Pro112Leu)

Gene: CLDN19 (claudin 19; minus strand). Cytogenetic location: 1p34.2.
Variant type: single nucleotide variant.
Coding change: c.335C>T on transcript NM_148960.3 (MANE Select); coding-DNA position 335, C replaced by T.
Protein change: p.Pro112Leu; replaces proline 112 with leucine.
Molecular consequence: missense variant.
Genome position (GRCh38, 1-based): chr1:42,738,474, G>A on the plus strand (C>T on the coding strand, the complement: CLDN19 is on the minus strand). VCF-style: chr1-42738474-G-A. GRCh37 (hg19) VCF-style: chr1-43204145-G-A.
Other names: c.335C>T, p.Pro112Leu (NM_001123395.2, NM_001185117.2); short protein forms P112L.
Identifiers: ClinVar variation 297343 (VCV000297343.10), dbSNP rs867064302, ClinGen allele CA10610237.
Genomic context (GRCh38, chr1:42,738,474, plus strand): 5'-CACTCACCTGCCAGGATGAAGAGGGCTCCCCCGGCGATGGCAACACGGCCCTTGGCAATG[G>A]GGTTGCTGTCTCCCACCCGCGTACACTTCATGCCAACTACGCTGAGGACCATGGCCACGA-3'
Protein context (NP_683763.2, residues 102-122): MKCTRVGDSN[Pro112Leu]IAKGRVAIAG